The following is an entry in ClinVar:

NM_000051.4(ATM):c.2921C>A (p.Ser974Tyr)

Gene: ATM (ATM serine/threonine kinase; plus strand). Cytogenetic location: 11q22.3.
Variant type: single nucleotide variant.
Coding change: c.2921C>A on transcript NM_000051.4 (MANE Select); coding-DNA position 2921, C replaced by A.
Protein change: p.Ser974Tyr; replaces serine 974 with tyrosine.
Molecular consequence: missense variant.
Genome position (GRCh38, 1-based): chr11:108,271,146, C>A. VCF-style: chr11-108271146-C-A. GRCh37 (hg19) VCF-style: chr11-108141873-C-A.
Other names: c.2921C>A, p.Ser974Tyr (NM_001351834.2); short protein forms S974Y.
Identifiers: ClinVar variation 568214 (VCV000568214.8), dbSNP rs538105098, ClinGen allele CA382547014.

ClinVar aggregate classification (germline): Uncertain significance (1 of 4 stars; one submission).

Conditions:
Ataxia-telangiectasia syndrome (AT). Also called: Ataxia telangiectasia (A-T); Ataxia-telangiectasia, complementation group D; AT, COMPLEMENTATION GROUP C; ATAXIA-TELANGIECTASIA, COMPLEMENTATION GROUP A; Ataxia-telangiectasia, complementation group E; ATAXIA-TELANGIECTASIA, FRESNO VARIANT. Identifiers: Orphanet 100, MedGen C0004135, MONDO:0008840, OMIM 208900.

Submission:

Labcorp Genetics (formerly Invitae), Labcorp
Classification: Uncertain significance for Ataxia-telangiectasia syndrome. Last evaluated: 2018-03-05. Review status: criteria provided, single submitter. Criteria: Invitae Variant Classification Sherloc (09022015). Collection method: clinical testing. Allele origin: germline.
Comment: This sequence change replaces serine with tyrosine at codon 974 of the ATM protein (p.Ser974Tyr). The serine residue is moderately conserved and there is a large physicochemical difference between serine and tyrosine. In summary, the available evidence is currently insufficient to determine the role of this variant in disease. Therefore, it has been classified as a Variant of Uncertain Significance. Algorithms developed to predict the effect of sequence changes on RNA splicing suggest that this variant may disrupt the consensus splice site, but this prediction has not been confirmed by published transcriptional studies. Algorithms developed to predict the effect of missense changes on protein structure and function do not agree on the potential impact of this missense change (SIFT: "Tolerated"; PolyPhen-2: "Possibly Damaging"; Align-GVGD: "Class C0"). This variant has not been reported in the literature in individuals with ATM-related disease. This variant is not present in population databases (ExAC no frequency).